The following is an entry in ClinVar:

NM_001134407.3(GRIN2A):c.4032C>A (p.Phe1344Leu)

Gene: GRIN2A (glutamate ionotropic receptor NMDA type subunit 2A; minus strand). Cytogenetic location: 16p13.2.
Variant type: single nucleotide variant.
Coding change: c.4032C>A on transcript NM_001134407.3 (MANE Select); coding-DNA position 4032, C replaced by A.
Protein change: p.Phe1344Leu; replaces phenylalanine 1344 with leucine.
Molecular consequence: missense variant. On other transcripts: intron variant (1).
Genome position (GRCh38, 1-based): chr16:9,763,512, G>T on the plus strand (C>A on the coding strand, the complement: GRIN2A is on the minus strand). VCF-style: chr16-9763512-G-T. GRCh37 (hg19) VCF-style: chr16-9857369-G-T.
Other names: c.4032C>A, p.Phe1344Leu (NM_000833.5); c.3773-84C>A (NM_001134408.2); short protein forms F1344L.
Identifiers: ClinVar variation 2753305 (VCV002753305.3), dbSNP rs2505962100, ClinGen allele CA394706254.
Genomic context (GRCh38, chr16:9,763,512, plus strand): 5'-ATCGGAGGTGTGGTCTGGCAAGAGAGACTTGCTCCTCTTGCTGTCCTCCAGACCTTGGGG[G>T]AAAAGGGAGCTTTTTTTCCCCGAGAGTTTGCTTGAGGGGACACTAAACAGGCTGCCGTAA-3'
Protein context (NP_001127879.1, residues 1334-1354): SKLSGKKSSL[Phe1344Leu]PQGLEDSKRS

ClinVar aggregate classification (germline): Uncertain significance (1 of 4 stars; one submission).

Conditions:
Landau-Kleffner syndrome (FESD). Also called: APHASIA, ACQUIRED, WITH EPILEPSY; EPILEPSY, FOCAL, WITH SPEECH DISORDER AND WITH OR WITHOUT MENTAL RETARDATION. Identifiers: Orphanet 1945, Orphanet 725, Orphanet 98818, MedGen C0282512, MONDO:0009509, OMIM 245570.

Allele frequency attached by ClinVar (database versions not stated): gnomAD exomes below 0.00001.
gnomAD v4.1: 1 of 1,614,062 alleles (0.000062%); highest among the groups gnomAD compares: Non-Finnish European, 0.000085%; no homozygotes.

Submission:

Labcorp Genetics (formerly Invitae), Labcorp
Classification: Uncertain significance for Landau-Kleffner syndrome. Last evaluated: 2023-08-21. Review status: criteria provided, single submitter. Criteria: Invitae Variant Classification Sherloc (09022015). Collection method: clinical testing. Allele origin: germline.
Comment: This sequence change replaces phenylalanine, which is neutral and non-polar, with leucine, which is neutral and non-polar, at codon 1344 of the GRIN2A protein (p.Phe1344Leu). This variant is not present in population databases (gnomAD no frequency). This variant has not been reported in the literature in individuals affected with GRIN2A-related conditions. In summary, the available evidence is currently insufficient to determine the role of this variant in disease. Therefore, it has been classified as a Variant of Uncertain Significance. Advanced modeling of protein sequence and biophysical properties (such as structural, functional, and spatial information, amino acid conservation, physicochemical variation, residue mobility, and thermodynamic stability) performed at Invitae indicates that this missense variant is not expected to disrupt GRIN2A protein function.